The following is an entry in ClinVar:

NM_000479.5(AMH):c.76A>G (p.Arg26Gly)

Gene: AMH (anti-Mullerian hormone; plus strand). Cytogenetic location: 19p13.3.
Variant type: single nucleotide variant.
Coding change: c.76A>G on transcript NM_000479.5 (MANE Select); coding-DNA position 76, A replaced by G.
Protein change: p.Arg26Gly; replaces arginine 26 with glycine.
Molecular consequence: missense variant.
Genome position (GRCh38, 1-based): chr19:2,249,408, A>G. VCF-style: chr19-2249408-A-G. GRCh37 (hg19) VCF-style: chr19-2249407-A-G.
Other names: short protein forms R26G.
Identifiers: ClinVar variation 1448481 (VCV001448481.5), dbSNP rs142456399, ClinGen allele CA9062720.

ClinVar aggregate classification (germline): Uncertain significance (1 of 4 stars; one submission).

Allele frequency attached by ClinVar (database versions not stated): gnomAD 0.00001 and 0.00005; TOPMed 0.00003; gnomAD exomes 0.00006 and 0.00016; ESP Exome Variant Server 0.00008; ExAC 0.00027; 1000 Genomes Project 30x 0.00047; 1000 Genomes Project 0.00060.
gnomAD v4.1: 95 of 1,595,270 alleles (0.006%); highest among the groups gnomAD compares: East Asian, 0.075%; no homozygotes.

Submission:

Labcorp Genetics (formerly Invitae), Labcorp
Classification: Uncertain significance. Last evaluated: 2021-09-24. Review status: criteria provided, single submitter. Criteria: Invitae Variant Classification Sherloc (09022015). Collection method: clinical testing. Allele origin: germline.
Comment: This sequence change replaces arginine with glycine at codon 26 of the AMH protein (p.Arg26Gly). The arginine residue is weakly conserved and there is a moderate physicochemical difference between arginine and glycine. This variant is present in population databases (rs142456399, ExAC 0.3%). This variant has not been reported in the literature in individuals with AMH-related conditions. Algorithms developed to predict the effect of missense changes on protein structure and function output the following: SIFT: "Not Available"; PolyPhen-2: "Benign"; Align-GVGD: "Not Available". The glycine amino acid residue is found in multiple mammalian species, suggesting that this missense change does not adversely affect protein function. These predictions have not been confirmed by published functional studies and their clinical significance is uncertain. In summary, the available evidence is currently insufficient to determine the role of this variant in disease. Therefore, it has been classified as a Variant of Uncertain Significance.